The following is an entry in ClinVar:

NM_000489.6(ATRX):c.1366G>C (p.Asp456His)

Gene: ATRX (ATRX chromatin remodeler; minus strand). Cytogenetic location: Xq21.1.
Variant type: single nucleotide variant.
Coding change: c.1366G>C on transcript NM_000489.6 (MANE Select); coding-DNA position 1366, G replaced by C.
Protein change: p.Asp456His; replaces aspartic acid 456 with histidine.
Molecular consequence: missense variant.
Genome position (GRCh38, 1-based): chrX:77,683,890, C>G on the plus strand (G>C on the coding strand, the complement: ATRX is on the minus strand). VCF-style: chrX-77683890-C-G. GRCh37 (hg19) VCF-style: chrX-76939382-C-G.
Other names: c.1252G>C, p.Asp418His (NM_138270.5); short protein forms D418H, D456H.
Identifiers: ClinVar variation 3377494 (VCV003377494.1).

ClinVar aggregate classification (germline): Uncertain significance (1 of 4 stars; one submission).

Conditions:
Alpha thalassemia-X-linked intellectual disability syndrome (ATRX). Also called: ALPHA-THALASSEMIA/MENTAL RETARDATION SYNDROME, X-LINKED; ATR, NONDELETION TYPE; ATR-X syndrome; Alpha thalassemia mental retardation syndrome, nondeletion type, X-linked; XLMR hypotonic face syndrome; X-linked alpha-thalassemia-mental retardation syndrome. Identifiers: Orphanet 847, MedGen C1845055, MONDO:0010519, OMIM 301040.

Submission:

Victorian Clinical Genetics Services, Murdoch Childrens Research Institute
Classification: Uncertain significance for Alpha thalassemia-X-linked intellectual disability syndrome. Last evaluated: 2020-10-19. Review status: criteria provided, single submitter. Criteria: ACMG Guidelines, 2015. Collection method: clinical testing. Allele origin: germline. Affected: yes.
Comment: Based on the classification scheme VCGS_Germline_v1.1.1, this variant is classified as VUS - 3B. Following criteria are met: 0102 - Loss-of-function is a known mechanism of disease for this gene. (N) 0108 - This gene is known to be associated with both recessive and dominant disease. Carrier females may be asymptomatic, or affected with alpha-thalassemia syndrome, where variability in severity depends on X chromosome inactivation (OMIM). (N) 0200 - Variant is predicted to result in a missense amino acid change from aspartic acid to histidine (exon 9). (N) 0251 - Variant is heterozygous. (N) 0301 - Variant is absent from gnomAD. (P) 0309 - An alternative amino acid change at the same position has been observed in gnomAD v2 (1 hemizygote, 0 heterozygotes, 0 homozygotes). (N) 0502 - Missense variant with conflicting in silico predictions and/or uninformative conservation. (N) 0604 - Variant is not located in an established domain, motif, hotspot or informative constraint region. (N) 0705 - No comparable variants have previous evidence for pathogenicity. An alternative missense change at the same residue (p.Asp456Tyr) has been reported as a VUS (LOVD). (N) 0807 - Variant has not previously been reported in a clinical context. (N) 0905 - No segregation evidence has been identified for this variant. (N) 1007 - No published functional evidence has been identified for this variant. (N) 1208 - Inheritance information for this variant is not currently available. (N) Legend: (P) - Pathogenic, (N) - Neutral, (B) - Benign